The following is an entry in ClinVar:

ClinVar aggregate classification (germline): Likely benign. Review status: criteria provided, multiple submitters, no conflicts (2 of 4 stars). 4 submissions from 4 submitters: Likely benign (4). Last evaluated 2026-01-05.

Conditions:
Inborn genetic diseases. Identifiers: MedGen C0950123, MeSH D030342.
Intellectual developmental disorder, autosomal dominant 6, with or without seizures. Also called: Intellectual disability, autosomal dominant 6; GRIN2B-related developmental delay, intellectual disability and autism spectrum disorder. Identifiers: Orphanet 589547, MedGen C3151411, MONDO:0013509, OMIM 613970.
Developmental and epileptic encephalopathy, 27 (DEE27). Also called: GRIN2B-Related Neurodevelopmental Disorder; Epileptic encephalopathy, early infantile, 27. Identifiers: Orphanet 3451, MedGen C4015316, MONDO:0014505, OMIM 616139.

Allele frequency attached by ClinVar (database versions not stated): gnomAD exomes 0.00006 and 0.00008; gnomAD 0.00008 and 0.00009; ExAC 0.00010; TOPMed 0.00006; ESP Exome Variant Server 0.00008.
gnomAD v4.1: 101 of 1,614,138 alleles (0.0063%); highest among the groups gnomAD compares: Middle Eastern, 0.033%; no homozygotes.

Submissions (4):

Labcorp Genetics (formerly Invitae), Labcorp
Classification: Likely benign for Developmental and epileptic encephalopathy, 27; Intellectual developmental disorder, autosomal dominant 6, with or without seizures. Last evaluated: 2026-01-05. Review status: criteria provided, single submitter. Criteria: Invitae Variant Classification Sherloc (09022015). Collection method: clinical testing. Allele origin: germline.

Blueprint Genetics
Classification: Likely benign. Last evaluated: 2024-10-18. Review status: criteria provided, single submitter. Criteria: ACMG Guidelines, 2015. Collection method: clinical testing. Allele origin: germline.

CeGaT Center for Human Genetics Tuebingen
Classification: Likely benign. Last evaluated: 2023-01-01. Review status: criteria provided, single submitter. Criteria: CeGaT Center For Human Genetics Tuebingen Variant Classification Criteria Version 2. Collection method: clinical testing. Allele origin: germline. Affected: yes. Observed: 1 variant allele.
Comment: GRIN2B: BP4, BS1

Ambry Genetics
Classification: Likely benign for Inborn genetic diseases. Last evaluated: 2018-07-31. Review status: criteria provided, single submitter. Criteria: Ambry Variant Classification Scheme 2023. Collection method: clinical testing. Allele origin: germline.

NM_000834.5(GRIN2B):c.2808G>A (p.Glu936=)

Gene: GRIN2B (glutamate ionotropic receptor NMDA type subunit 2B; minus strand). Cytogenetic location: 12p13.1.
Variant type: single nucleotide variant.
Coding change: c.2808G>A on transcript NM_000834.5 (MANE Select); coding-DNA position 2808, G replaced by A.
Protein change: p.Glu936=; no amino-acid change (glutamic acid 936 retained).
Molecular consequence: synonymous variant.
Genome position (GRCh38, 1-based): chr12:13,564,430, C>T on the plus strand (G>A on the coding strand, the complement: GRIN2B is on the minus strand). VCF-style: chr12-13564430-C-T. GRCh37 (hg19) VCF-style: chr12-13717364-C-T.
Identifiers: ClinVar variation 697060 (VCV000697060.37), dbSNP rs77493389, ClinGen allele CA6460980.